The following is an entry in ClinVar:

NM_004836.7(EIF2AK3):c.1883A>G (p.Asn628Ser)

Gene: EIF2AK3 (eukaryotic translation initiation factor 2 alpha kinase 3; minus strand). Cytogenetic location: 2p11.2.
Variant type: single nucleotide variant.
Coding change: c.1883A>G on transcript NM_004836.7 (MANE Select); coding-DNA position 1883, A replaced by G.
Protein change: p.Asn628Ser; replaces asparagine 628 with serine.
Molecular consequence: missense variant.
Genome position (GRCh38, 1-based): chr2:88,579,521, T>C on the plus strand (A>G on the coding strand, the complement: EIF2AK3 is on the minus strand). VCF-style: chr2-88579521-T-C. GRCh37 (hg19) VCF-style: chr2-88879039-T-C.
Other names: c.1430A>G, p.Asn477Ser (NM_001313915.2); short protein forms N628S, N477S.
Identifiers: ClinVar variation 1035692 (VCV001035692.6), dbSNP rs776579341, ClinGen allele CA1754583.

ClinVar aggregate classification (germline): Uncertain significance. Review status: criteria provided, multiple submitters, no conflicts (2 of 4 stars). 2 submissions from 2 submitters: Uncertain significance (2). Last evaluated 2024-07-08.

Conditions:
Wolcott-Rallison dysplasia. Also called: Wolcott-Rallison syndrome; MED-IDDM SYNDROME. Identifiers: Orphanet 1667, MedGen C0432217, MONDO:0009192, OMIM 226980.

Allele frequency attached by ClinVar (database versions not stated): gnomAD 0.00001 and 0.00003; gnomAD exomes 0.00004; TOPMed 0.00005; ExAC 0.00007.
gnomAD v4.1: 61 of 1,613,596 alleles (0.0038%); highest among the groups gnomAD compares: South Asian, 0.02%; no homozygotes.

Submissions (2):

Labcorp Genetics (formerly Invitae), Labcorp
Classification: Uncertain significance. Last evaluated: 2024-07-08. Review status: criteria provided, single submitter. Criteria: Invitae Variant Classification Sherloc (09022015). Collection method: clinical testing. Allele origin: germline.
Comment: This sequence change replaces asparagine, which is neutral and polar, with serine, which is neutral and polar, at codon 628 of the EIF2AK3 protein (p.Asn628Ser). This variant is present in population databases (rs776579341, gnomAD 0.02%). This variant has not been reported in the literature in individuals affected with EIF2AK3-related conditions. ClinVar contains an entry for this variant (Variation ID: 1035692). An algorithm developed to predict the effect of missense changes on protein structure and function (PolyPhen-2) suggests that this variant is likely to be disruptive. Algorithms developed to predict the effect of sequence changes on RNA splicing suggest that this variant may disrupt the consensus splice site. In summary, the available evidence is currently insufficient to determine the role of this variant in disease. Therefore, it has been classified as a Variant of Uncertain Significance.

Fulgent Genetics
Classification: Uncertain significance for Wolcott-Rallison dysplasia. Last evaluated: 2021-07-08. Review status: criteria provided, single submitter. Criteria: ACMG Guidelines, 2015. Collection method: clinical testing. Allele origin: unknown.